The following is an entry in ClinVar:

ClinVar aggregate classification (germline): Pathogenic (1 of 4 stars; one submission).

Conditions:
Creatine transporter deficiency (CCDS1). Also called: CEREBRAL CREATINE DEFICIENCY SYNDROME 1; Mental retardation , X-linked with seizures, short stature and midface hypoplasia; Mental retardation , X-linked, with creatine transport deficiency; X-linked creatine transporter deficiency; X-linked creatine deficiency syndrome; SLC6A8-Related Creatine Transporter Deficiency. Identifiers: Orphanet 52503, MedGen C1845862, MONDO:0010305, OMIM 300352.

Submission:

Labcorp Genetics (formerly Invitae), Labcorp
Classification: Pathogenic for Creatine transporter deficiency. Last evaluated: 2021-09-24. Review status: criteria provided, single submitter. Criteria: Invitae Variant Classification Sherloc (09022015). Collection method: clinical testing. Allele origin: germline.
Comment: Advanced modeling of protein sequence and biophysical properties (such as structural, functional, and spatial information, amino acid conservation, physicochemical variation, residue mobility, and thermodynamic stability) performed at Invitae indicates that this missense variant is expected to disrupt SLC6A8 protein function. For these reasons, this variant has been classified as Pathogenic. This missense change has been observed in individual(s) with creatine transporter deficiency (Invitae). In at least one individual the variant was observed to be de novo. This variant is not present in population databases (ExAC no frequency). This sequence change replaces serine with asparagine at codon 352 of the SLC6A8 protein (p.Ser352Asn). The serine residue is highly conserved and there is a small physicochemical difference between serine and asparagine.

NM_005629.4(SLC6A8):c.1055G>A (p.Ser352Asn)

Gene: SLC6A8 (solute carrier family 6 member 8; plus strand). Cytogenetic location: Xq28.
Variant type: single nucleotide variant.
Coding change: c.1055G>A on transcript NM_005629.4 (MANE Select); coding-DNA position 1055, G replaced by A.
Protein change: p.Ser352Asn; replaces serine 352 with asparagine.
Molecular consequence: missense variant.
Genome position (GRCh38, 1-based): chrX:153,693,500, G>A. VCF-style: chrX-153693500-G-A. GRCh37 (hg19) VCF-style: chrX-152958955-G-A.
Other names: c.1025G>A, p.Ser342Asn (NM_001142805.2); c.710G>A, p.Ser237Asn (NM_001142806.1); short protein forms S237N, S342N, S352N.
Identifiers: ClinVar variation 1412467 (VCV001412467.6), dbSNP rs2148363211, ClinGen allele CA415085356.